The following is an entry in ClinVar:

ClinVar aggregate classification (germline): Likely benign (0 of 4 stars; one submission).

Conditions:
STAG2-related disorder. Also called: STAG2-Related Disorders.

Submission:

PreventionGenetics, part of Exact Sciences
Classification: Likely benign for STAG2-related condition. Last evaluated: 2020-11-15. Review status: no assertion criteria provided. Collection method: clinical testing. Allele origin: germline.
Comment: This variant is classified as likely benign based on ACMG/AMP sequence variant interpretation guidelines (Richards et al. 2015 PMID: 25741868, with internal and published modifications).

NM_001042750.2(STAG2):c.1535-12_1535-3dup

Gene: STAG2 (STAG2 cohesin complex component; plus strand). Cytogenetic location: Xq25.
Variant type: Duplication.
Coding change: c.1535-12_1535-3dup on transcript NM_001042750.2 (MANE Select); 12 bases into the intron before coding-DNA position 1535 through 3 bases into the intron before coding-DNA position 1535, 10 bases duplicated (TTTTTTTTTT; older notation c.1535-12_1535-3dupTTTTTTTTTT).
Molecular consequence: intron variant.
Genome position (GRCh38, 1-based): chrX:124,061,759-124,061,768, TTTTTTTTTT duplicated; duplicating any 10 consecutive bases within chrX:124,061,744-124,061,768 gives the same sequence; the c. name uses the placement nearest the transcript's 3' end. VCF-style (leftmost placement, unchanged base first): chrX-124061743-C-CTTTTTTTTTT. GRCh37 (hg19) VCF-style: chrX-123195593-C-CTTTTTTTTTT.
Other names: c.1535-12_1535-3dup (NM_001042749.2, NM_001375366.1, NM_001375373.1 and 13 more transcripts); c.1535-12_1535-3dup10 (NM_001042749.2).
Identifiers: ClinVar variation 3032178 (VCV003032178.2), dbSNP rs36097834, ClinGen allele CA870996093.